The following is an entry in ClinVar:

NM_001197104.2(KMT2A):c.435T>A (p.Asp145Glu)

Gene: KMT2A (lysine methyltransferase 2A; plus strand). Cytogenetic location: 11q23.3.
Variant type: single nucleotide variant.
Coding change: c.435T>A on transcript NM_001197104.2 (MANE Select); coding-DNA position 435, T replaced by A.
Protein change: p.Asp145Glu; replaces aspartic acid 145 with glutamic acid.
Molecular consequence: missense variant.
Genome position (GRCh38, 1-based): chr11:118,468,777, T>A. VCF-style: chr11-118468777-T-A. GRCh37 (hg19) VCF-style: chr11-118339492-T-A.
Other names: c.534T>A, p.Asp178Glu (NM_001412597.1); c.435T>A, p.Asp145Glu (NM_005933.4); short protein forms D145E, D178E.
Identifiers: ClinVar variation 3336200 (VCV003336200.2).

ClinVar aggregate classification (germline): Uncertain significance. Review status: criteria provided, multiple submitters, no conflicts (2 of 4 stars). 2 submissions from 2 submitters: Uncertain significance (2). Last evaluated 2025-07-28.

gnomAD v4.1: 8 of 1,612,256 alleles (0.0005%); highest among the groups gnomAD compares: Non-Finnish European, 0.00059%; no homozygotes.

Submissions (2):

Labcorp Genetics (formerly Invitae), Labcorp
Classification: Uncertain significance. Last evaluated: 2025-07-28. Review status: criteria provided, single submitter. Criteria: Invitae Variant Classification Sherloc (09022015). Collection method: clinical testing. Allele origin: germline.
Comment: This sequence change replaces aspartic acid, which is acidic and polar, with glutamic acid, which is acidic and polar, at codon 145 of the KMT2A protein (p.Asp145Glu). This variant is not present in population databases (gnomAD no frequency). This variant has not been reported in the literature in individuals affected with KMT2A-related conditions. ClinVar contains an entry for this variant (Variation ID: 3336200). An algorithm developed to predict the effect of missense changes on protein structure and function (PolyPhen-2) suggests that this variant is likely to be disruptive. In summary, the available evidence is currently insufficient to determine the role of this variant in disease. Therefore, it has been classified as a Variant of Uncertain Significance.

Women's Health and Genetics/Laboratory Corporation of America, LabCorp
Classification: Uncertain significance. Last evaluated: 2024-05-29. Review status: criteria provided, single submitter. Criteria: LabCorp Variant Classification Summary - May 2015. Collection method: clinical testing. Allele origin: germline.
Comment: Variant summary: KMT2A c.435T>A (p.Asp145Glu) results in a conservative amino acid change in the encoded protein sequence. Four of five in-silico tools predict a benign effect of the variant on protein function. Consensus agreement among computation tools predict no significant impact on normal splicing. However, these predictions have yet to be confirmed by functional studies. The variant was absent in 251402 control chromosomes. The available data on variant occurrences in the general population are insufficient to allow any conclusion about variant significance. To our knowledge, no occurrence of c.435T>A in individuals affected with Wiedemann-Steiner Syndrome and no experimental evidence demonstrating its impact on protein function have been reported. No submitters have cited clinical-significance assessments for this variant to ClinVar. Based on the evidence outlined above, the variant was classified as uncertain significance.